The following is an entry in ClinVar:

NM_203447.4(DOCK8):c.5491-7T>A

Gene: DOCK8 (dedicator of cytokinesis 8; plus strand). Cytogenetic location: 9p24.3.
Variant type: single nucleotide variant.
Coding change: c.5491-7T>A on transcript NM_203447.4 (MANE Select); 7 bases into the intron before coding-DNA position 5491, T replaced by A.
Molecular consequence: intron variant.
Genome position (GRCh38, 1-based): chr9:443,420, T>A. VCF-style: chr9-443420-T-A. GRCh37 (hg19) VCF-style: chr9-443420-T-A.
Other names: c.5287-7T>A (NM_001193536.2); c.5191-7T>A (NM_001190458.2).
Identifiers: ClinVar variation 137151 (VCV000137151.15), dbSNP rs184867151, ClinGen allele CA290687.
Genomic context (GRCh38, chr9:443,420, plus strand): 5'-TCCAAGAAGACAAAGAGTTGCATTATGTTAAAATAACCTTTATAAACTGTTGGTTCTTCT[T>A]ACCTAGGCATTTTATGGTCAATGTTTTGGTGCAGAATTTGTGGAAGTGATTAAAGACTCC-3'

ClinVar aggregate classification (germline): Benign/Likely benign. Review status: criteria provided, multiple submitters, no conflicts (2 of 4 stars). 4 submissions from 4 submitters: Benign (2); Likely benign (2). Last evaluated 2026-01-28.

Conditions:
Combined immunodeficiency due to DOCK8 deficiency (HIES2). Also called: Hyper-IgE recurrent infection syndrome, autosomal recessive; HYPER-IgE RECURRENT INFECTION SYNDROME 2, AUTOSOMAL RECESSIVE; DOCK8 Deficiency; HIES autosomal recessive; HYPER-IgE SYNDROME 2, AUTOSOMAL RECESSIVE, WITH RECURRENT INFECTIONS. Identifiers: Orphanet 217390, MedGen C4722305, MONDO:0009478, OMIM 243700.

Allele frequency attached by ClinVar (database versions not stated): gnomAD exomes 0.00007 and 0.00032; gnomAD 0.00010 and 0.00019; TOPMed 0.00015; ExAC 0.00028; 1000 Genomes Project 30x 0.00187; 1000 Genomes Project 0.00220.
gnomAD v4.1: 152 of 1,613,502 alleles (0.0094%); highest among the groups gnomAD compares: East Asian, 0.28%; 2 homozygotes.

Submissions (6):

Labcorp Genetics (formerly Invitae), Labcorp
Classification: Benign for Combined immunodeficiency due to DOCK8 deficiency. Last evaluated: 2026-01-28. Review status: criteria provided, single submitter. Criteria: Invitae Variant Classification Sherloc (09022015). Collection method: clinical testing. Allele origin: germline.

Blueprint Genetics
Classification: Likely benign. Last evaluated: 2024-05-06. Review status: criteria provided, single submitter. Criteria: ACMG Guidelines, 2015. Collection method: clinical testing. Allele origin: germline.

Illumina Laboratory Services, Illumina
Classification: Likely benign for Combined immunodeficiency due to DOCK8 deficiency. Last evaluated: 2018-01-13. Review status: criteria provided, single submitter. Criteria: ICSL Variant Classification Criteria 13 December 2019. Collection method: clinical testing. Allele origin: germline.
Comment: This variant was observed in the ICSL laboratory as part of a predisposition screen in an ostensibly healthy population. It had not been previously curated by ICSL or reported in the Human Gene Mutation Database (HGMD: prior to June 1st, 2018), and was therefore a candidate for classification through an automated scoring system. Utilizing variant allele frequency, disease prevalence and penetrance estimates, and inheritance mode, an automated score was calculated to assess if this variant is too frequent to cause the disease. Based on the score and internal cut-off values, a variant classified as likely benign is not then subjected to further curation. The score for this variant resulted in a classification of likely benign for this disease.

GeneDx
Classification: Benign. Last evaluated: 2014-05-19. Review status: criteria provided, single submitter. Criteria: GeneDx Variant Classification (06012015). Collection method: clinical testing. Allele origin: germline. Affected: yes.
Comment: This variant is considered likely benign or benign based on one or more of the following criteria: it is a conservative change, it occurs at a poorly conserved position in the protein, it is predicted to be benign by multiple in silico algorithms, and/or has population frequency not consistent with disease.

Dr. Peter K. Rogan Lab, Western University
No classification provided (evidence only). Condition: Gastric cancer. Review status: no classification provided. Collection method: in vitro. Allele origin: not applicable. Functional consequence: retained intron. Not counted in ClinVar's aggregate classification.

Dr. Peter K. Rogan Lab, Western University
No classification provided (evidence only). Condition: Hepatocellular carcinoma. Review status: no classification provided. Collection method: in vitro. Allele origin: not applicable. Functional consequence: retained intron. Not counted in ClinVar's aggregate classification.